The following is an entry in ClinVar:

ClinVar aggregate classification (germline): Likely benign. Review status: criteria provided, multiple submitters, no conflicts (2 of 4 stars). 2 submissions from 2 submitters: Likely benign (2). Last evaluated 2025-07-18.

Conditions:
CACNA1D-related disorder.

Allele frequency attached by ClinVar (database versions not stated): ExAC 0.00001; gnomAD 0.00001; gnomAD exomes 0.00001; TOPMed 0.00001.
gnomAD v4.1: 11 of 1,614,008 alleles (0.00068%); highest among the groups gnomAD compares: Admixed American, 0.0017%; no homozygotes.

Submissions (2):

Labcorp Genetics (formerly Invitae), Labcorp
Classification: Likely benign. Last evaluated: 2025-07-18. Review status: criteria provided, single submitter. Criteria: Invitae Variant Classification Sherloc (09022015). Collection method: clinical testing. Allele origin: germline.

PreventionGenetics, part of Exact Sciences
Classification: Likely benign for CACNA1D-related condition. Last evaluated: 2024-11-21. Review status: criteria provided, single submitter. Criteria: ACMG Guidelines, 2015. Collection method: clinical testing. Allele origin: germline.
Comment: This variant is classified as likely benign based on ACMG/AMP sequence variant interpretation guidelines (Richards et al. 2015 PMID: 25741868, with internal and published modifications).

NM_001128840.3(CACNA1D):c.4980T>C (p.Cys1660=)

Gene: CACNA1D (calcium voltage-gated channel subunit alpha1 D; plus strand). Cytogenetic location: 3p21.1.
Variant type: single nucleotide variant.
Coding change: c.4980T>C on transcript NM_001128840.3 (MANE Select); coding-DNA position 4980, T replaced by C.
Protein change: p.Cys1660=; no amino-acid change (cysteine 1660 retained).
Molecular consequence: synonymous variant.
Genome position (GRCh38, 1-based): chr3:53,800,305, T>C. VCF-style: chr3-53800305-T-C. GRCh37 (hg19) VCF-style: chr3-53834332-T-C.
Other names: c.5040T>C (NM_000720.3); c.5040T>C, p.Cys1680= (NM_000720.4); c.4935T>C, p.Cys1645= (NM_001128839.3).
Identifiers: ClinVar variation 1550959 (VCV001550959.9), dbSNP rs755075461, ClinGen allele CA2455049.